The following is an entry in ClinVar:

NC_000002.12:g.121530884A>T

Genes: CLASP1 (cytoplasmic linker associated protein 1; minus strand), CLASP1-AS1 (CLASP1 antisense RNA 1; plus strand), RNU4ATAC (RNA, U4atac small nuclear; plus strand). Cytogenetic location: 2q14.2.
Variant type: single nucleotide variant.
Molecular consequence: intron variant (on NM_001395891.1).
Genome position: GRCh38 VCF-style: chr2-121530884-A-T. GRCh37 (hg19) VCF-style: chr2-122288460-A-T.
Other names: c.196-559T>A (NM_001142274.2, NM_015282.3, NM_001378003.1 and 5 more transcripts).
Identifiers: ClinVar variation 1978446 (VCV001978446.2), dbSNP rs533487249, ClinGen allele CA428887768.

ClinVar aggregate classification (germline): Uncertain significance (1 of 4 stars; one submission).

gnomAD v4.1: 3 of 692,558 alleles (0.00043%); highest among the groups gnomAD compares: African/African-American, 0.0035%; no homozygotes.

Submission:

Labcorp Genetics (formerly Invitae), Labcorp
Classification: Uncertain significance. Last evaluated: 2022-05-30. Review status: criteria provided, single submitter. Criteria: Invitae Variant Classification Sherloc (09022015). Collection method: clinical testing. Allele origin: germline.
Comment: This variant occurs in the RNU4ATAC gene, which encodes an RNA molecule that does not result in a protein product. This variant is present in population databases (no rsID available, gnomAD 0.007%). This variant has not been reported in the literature in individuals affected with RNU4ATAC-related conditions. Experimental studies and prediction algorithms are not available or were not evaluated, and the functional significance of this variant is currently unknown. In summary, the available evidence is currently insufficient to determine the role of this variant in disease. Therefore, it has been classified as a Variant of Uncertain Significance.